The following is an entry in ClinVar:

NM_182914.3(SYNE2):c.19357G>A (p.Glu6453Lys)

Gene: SYNE2 (spectrin repeat containing nuclear envelope protein 2; plus strand). Cytogenetic location: 14q23.2.
Variant type: single nucleotide variant.
Coding change: c.19357G>A on transcript NM_182914.3 (MANE Select); coding-DNA position 19357, G replaced by A.
Protein change: p.Glu6453Lys; replaces glutamic acid 6453 with lysine.
Molecular consequence: missense variant. On other transcripts: intron variant (1).
Genome position (GRCh38, 1-based): chr14:64,215,309, G>A. VCF-style: chr14-64215309-G-A. GRCh37 (hg19) VCF-style: chr14-64682027-G-A.
Other names: c.259G>A, p.Glu87Lys (NM_182913.4); c.19333+839G>A (NM_015180.6); short protein forms E6453K, E87K.
Identifiers: ClinVar variation 3625699 (VCV003625699.2).

ClinVar aggregate classification (germline): Uncertain significance (1 of 4 stars; one submission).

Conditions:
Emery-Dreifuss muscular dystrophy 5, autosomal dominant (EDMD5). Also called: EMERY-DREIFUSS MUSCULAR DYSTROPHY 5. Identifiers: Orphanet 261, MedGen C2751805, MONDO:0013072, OMIM 612999.

Submission:

Labcorp Genetics (formerly Invitae), Labcorp
Classification: Uncertain significance for Emery-Dreifuss muscular dystrophy 5, autosomal dominant. Last evaluated: 2024-10-05. Review status: criteria provided, single submitter. Criteria: Invitae Variant Classification Sherloc (09022015). Collection method: clinical testing. Allele origin: germline.
Comment: This sequence change replaces glutamic acid, which is acidic and polar, with lysine, which is basic and polar, at codon 6453 of the SYNE2 protein (p.Glu6453Lys). This variant is not present in population databases (gnomAD no frequency). This variant has not been reported in the literature in individuals affected with SYNE2-related conditions. An algorithm developed to predict the effect of missense changes on protein structure and function (PolyPhen-2) suggests that this variant is likely to be disruptive. Algorithms developed to predict the effect of sequence changes on RNA splicing suggest that this variant may disrupt the consensus splice site. In summary, the available evidence is currently insufficient to determine the role of this variant in disease. Therefore, it has been classified as a Variant of Uncertain Significance.